The following is an entry in ClinVar:

NM_000128.4(F11):c.155dup (p.Tyr52Ter)

Gene: F11 (coagulation factor XI; plus strand). Cytogenetic location: 4q35.2.
Variant type: Duplication.
Coding change: c.155dup on transcript NM_000128.4 (MANE Select); coding-DNA position 155, one base duplicated (A; older notation c.155dupA).
Protein change: p.Tyr52Ter; replaces tyrosine 52 with a stop codon.
Molecular consequence: nonsense.
Genome position (GRCh38, 1-based): chr4:186,271,708, A duplicated. VCF-style (leftmost placement, unchanged base first): chr4-186271707-T-TA. GRCh37 (hg19) VCF-style: chr4-187192861-T-TA.
Other names: p.Tyr52*; c.155dup, p.Tyr52Ter (NM_001354804.2); c.155dup (NM_000128.3); c.155dupA (NM_000128.3); short protein forms Y52*.
Identifiers: ClinVar variation 550659 (VCV000550659.4), dbSNP rs1554081886, ClinGen allele CA658822912.

ClinVar aggregate classification (germline): Likely pathogenic. Review status: criteria provided, multiple submitters, no conflicts (2 of 4 stars). 3 submissions from 3 submitters: Likely pathogenic (2). 1 of the submissions does not count toward it. Last evaluated 2025-11-21.

Conditions:
Plasma factor XI deficiency.
Hereditary factor XI deficiency disease. Also called: Congenital factor XI deficiency; PLASMA THROMBOPLASTIN ANTECEDENT DEFICIENCY; PTA DEFICIENCY; ROSENTHAL SYNDROME. Identifiers: Orphanet 329, MedGen C0015523, MeSH D005173, MONDO:0012897, OMIM 612416.

Allele frequency attached by ClinVar (database versions not stated): TOPMed below 0.00001.

Submissions (3):

Natera, Inc.
Classification: Likely pathogenic for Plasma factor XI deficiency. Last evaluated: 2025-11-21. Review status: criteria provided, single submitter. Criteria: Natera Variant Classification Schema (03/2026). Collection method: clinical testing. Allele origin: germline.
Comment: The c.155dup variant in F11 is a frameshift variant predicted to shift the reading frame and introduce a stop codon. This variant is expected to result in nonsense mediated decay, truncation, or a dysfunctional protein product. This variant is rare in the general population with a frequency below the threshold expected for the associated phenotype(s). Given the available evidence, this variant is classified as Likely Pathogenic.

Mayo Clinic Laboratories, Mayo Clinic
Classification: Likely pathogenic. Last evaluated: 2022-05-12. Review status: criteria provided, single submitter. Criteria: ACMG Guidelines, 2015. Collection method: clinical testing. Allele origin: germline. Observed: 1 variant allele.
Comment: PM2, PVS1

Counsyl
Classification: Likely pathogenic for Hereditary factor XI deficiency disease. Last evaluated: 2017-02-07. Review status: no assertion criteria provided. Collection method: clinical testing. Allele origin: unknown. Not counted in ClinVar's aggregate classification.